The following is an entry in ClinVar:

ClinVar aggregate classification (germline): Benign/Likely benign. Review status: criteria provided, multiple submitters, no conflicts (2 of 4 stars). 5 submissions from 5 submitters: Benign (2); Likely benign (2). 1 of the submissions does not count toward it. Last evaluated 2026-02-03.

Conditions:
Developmental and epileptic encephalopathy, 34 (DEE34). Also called: Early infantile epileptic encephalopathy 34; SLC12A5-Related Epilepsy of Infancy with Migrating Focal Seizures. Identifiers: Orphanet 293181, MedGen C4225257, MONDO:0014718, OMIM 616645.
SLC12A5-related disorder. Also called: SLC12A5-related condition.

Allele frequency attached by ClinVar (database versions not stated): gnomAD exomes 0.00047 and 0.00125; gnomAD 0.00493 and 0.00540; TOPMed 0.00565; ESP Exome Variant Server 0.00630; ExAC 0.00158; 1000 Genomes Project 0.00399; 1000 Genomes Project 30x 0.00437.
gnomAD v4.1: 1,453 of 1,613,640 alleles (0.09%); highest among the groups gnomAD compares: African/African-American, 1.8%; 16 homozygotes.

Submissions (5):

Labcorp Genetics (formerly Invitae), Labcorp
Classification: Benign for Developmental and epileptic encephalopathy, 34. Last evaluated: 2026-02-03. Review status: criteria provided, single submitter. Criteria: Invitae Variant Classification Sherloc (09022015). Collection method: clinical testing. Allele origin: germline.

ARUP Laboratories, Molecular Genetics and Genomics, ARUP Laboratories
Classification: Benign. Last evaluated: 2023-09-18. Review status: criteria provided, single submitter. Criteria: ARUP Molecular Germline Variant Investigation Process 2024. Collection method: clinical testing. Allele origin: germline.

Center for Pediatric Genomic Medicine, Children's Mercy Hospital and Clinics
Classification: Likely benign. Last evaluated: 2017-08-31. Review status: criteria provided, single submitter. Criteria: ACMG Guidelines, 2015. Collection method: clinical testing. Allele origin: germline.

Breakthrough Genomics
Classification: Likely benign. Review status: criteria provided, single submitter. Criteria: ACMG Guidelines, 2015. Collection method: not provided. Allele origin: germline. Inheritance: Autosomal recessive inheritance. Affected: yes.

PreventionGenetics, part of Exact Sciences
Classification: Benign for SLC12A5-related condition. Last evaluated: 2019-04-10. Review status: no assertion criteria provided. Collection method: clinical testing. Allele origin: germline. Not counted in ClinVar's aggregate classification.
Comment: This variant is classified as benign based on ACMG/AMP sequence variant interpretation guidelines (Richards et al. 2015 PMID: 25741868, with internal and published modifications).

NM_020708.5(SLC12A5):c.1189A>T (p.Thr397Ser)

Gene: SLC12A5 (solute carrier family 12 member 5; plus strand). Cytogenetic location: 20q13.12.
Variant type: single nucleotide variant.
Coding change: c.1189A>T on transcript NM_020708.5 (MANE Select); coding-DNA position 1189, A replaced by T.
Protein change: p.Thr397Ser; replaces threonine 397 with serine.
Molecular consequence: missense variant.
Genome position (GRCh38, 1-based): chr20:46,043,275, A>T. VCF-style: chr20-46043275-A-T. GRCh37 (hg19) VCF-style: chr20-44671914-A-T.
Other names: c.1258A>T, p.Thr420Ser (NM_001134771.2); short protein forms T420S, T397S.
Identifiers: ClinVar variation 445327 (VCV000445327.16), dbSNP rs34058554, ClinGen allele CA9887262.